The following is an entry in ClinVar:

NM_002292.4(LAMB2):c.2307C>T (p.Leu769=)

Gene: LAMB2 (laminin subunit beta 2; minus strand). Cytogenetic location: 3p21.31.
Variant type: single nucleotide variant.
Coding change: c.2307C>T on transcript NM_002292.4 (MANE Select); coding-DNA position 2307, C replaced by T.
Protein change: p.Leu769=; no amino-acid change (leucine 769 retained).
Molecular consequence: synonymous variant.
Genome position (GRCh38, 1-based): chr3:49,126,004, G>A on the plus strand (C>T on the coding strand, the complement: LAMB2 is on the minus strand). VCF-style: chr3-49126004-G-A. GRCh37 (hg19) VCF-style: chr3-49163437-G-A.
Identifiers: ClinVar variation 258603 (VCV000258603.48), dbSNP rs147076626, ClinGen allele CA2394336.
Genomic context (GRCh38, chr3:49,126,004, plus strand): 5'-CAACCCACATCACAGACACTCACGCAGGGCACCATTGTAGATGAGGGTGGACAGGCTGAT[G>A]AGGAGGGGTGCGCAGGCCTCAGAGGGAGAAGTCTTGCTGGGCACCAGACCCTCCTCATGG-3'
Protein context (NP_002283.3, residues 759-779): TSPSEACAPL[Leu769=]ISLSTLIYNG

ClinVar aggregate classification (germline): Conflicting classifications of pathogenicity. Review status: criteria provided, conflicting classifications (1 of 4 stars). 9 submissions from 8 submitters: Uncertain significance (1); Benign (1); Likely benign (4). 3 of the submissions do not count toward it. Last evaluated 2026-09-01.

Conditions:
LAMB2-related infantile-onset nephrotic syndrome. Also called: NEPHROTIC SYNDROME, TYPE 5, WITHOUT OCULAR ABNORMALITIES; NEPHROTIC SYNDROME, TYPE 5, WITH OCULAR ABNORMALITIES; Nephrotic Syndrome, type 5. Identifiers: Orphanet 306507, MedGen C3280113, MONDO:0013621, OMIM 614199.
Pierson syndrome. Also called: MICROCORIA-CONGENITAL NEPHROTIC SYNDROME. Identifiers: Orphanet 2670, MedGen C1836876, MONDO:0012184, OMIM 609049.
LAMB2-related disorder. Also called: LAMB2-related condition.
Focal segmental glomerulosclerosis (FSGS). Also called: Glomerulosclerosis, focal; Focal sclerosis with hyalinosis. Identifiers: MedGen C0017668, MONDO:0100313, HP:0000097. Disease mechanism: loss of function.

Allele frequency attached by ClinVar (database versions not stated): 1000 Genomes Project 0.00220; gnomAD 0.00235 and 0.00250; 1000 Genomes Project 30x 0.00250; TOPMed 0.00251; gnomAD exomes 0.00293 and 0.00364; ExAC 0.00308; ESP Exome Variant Server 0.00308.
gnomAD v4.1: 5,651 of 1,614,188 alleles (0.35%); highest among the groups gnomAD compares: Middle Eastern, 0.84%; 24 homozygotes.

Submissions (9):

CeGaT Center for Human Genetics Tuebingen
Classification: Likely benign. Last evaluated: 2026-09-01. Review status: criteria provided, single submitter. Criteria: CeGaT Center For Human Genetics Tuebingen Variant Classification Criteria Version 2. Collection method: clinical testing. Allele origin: germline. Affected: yes. Observed: 7 variant alleles.
Comment: LAMB2: BP4, BS2

Labcorp Genetics (formerly Invitae), Labcorp
Classification: Benign for LAMB2-related infantile-onset nephrotic syndrome; Pierson syndrome. Last evaluated: 2026-01-21. Review status: criteria provided, single submitter. Criteria: Invitae Variant Classification Sherloc (09022015). Collection method: clinical testing. Allele origin: germline.

Blueprint Genetics
Classification: Likely benign. Last evaluated: 2024-11-26. Review status: criteria provided, single submitter. Criteria: ACMG Guidelines, 2015. Collection method: clinical testing. Allele origin: germline.

Genome Diagnostics Laboratory, The Hospital for Sick Children
Classification: Likely benign for Focal segmental glomerulosclerosis. Last evaluated: 2018-03-01. Review status: criteria provided, single submitter. Criteria: ACMG Guidelines, 2015. Collection method: clinical testing. Allele origin: germline.

Illumina Laboratory Services, Illumina
Classification: Uncertain significance for LAMB2-related infantile-onset nephrotic syndrome. Last evaluated: 2017-04-27. Review status: criteria provided, single submitter. Criteria: ICSL Variant Classification Criteria 13 December 2019. Collection method: clinical testing. Allele origin: germline.

Illumina Laboratory Services, Illumina
Classification: Likely benign for Pierson syndrome. Last evaluated: 2017-04-27. Review status: criteria provided, single submitter. Criteria: ICSL Variant Classification Criteria 13 December 2019. Collection method: clinical testing. Allele origin: germline.
Comment: This variant was observed as part of a predisposition screen in an ostensibly healthy population. A literature search was performed for the gene, cDNA change, and amino acid change (where applicable). No publications were found based on this search. Allele frequency data from public databases allowed determination this variant is unlikely to cause disease. Therefore, this variant is classified as likely benign.

PreventionGenetics, part of Exact Sciences
Classification: Benign for LAMB2-related condition. Last evaluated: 2019-10-01. Review status: no assertion criteria provided. Collection method: clinical testing. Allele origin: germline. Not counted in ClinVar's aggregate classification.
Comment: This variant is classified as benign based on ACMG/AMP sequence variant interpretation guidelines (Richards et al. 2015 PMID: 25741868, with internal and published modifications).

Clinical Genetics DNA and cytogenetics Diagnostics Lab, Erasmus MC, Erasmus Medical Center
Classification: Likely benign. Review status: no assertion criteria provided. Collection method: clinical testing. Allele origin: germline. Affected: yes. Study: VKGL Data-share Consensus. Not counted in ClinVar's aggregate classification.

Genome Diagnostics Laboratory, University Medical Center Utrecht
Classification: Likely benign. Review status: no assertion criteria provided. Collection method: clinical testing. Allele origin: germline. Affected: yes. Study: VKGL Data-share Consensus. Not counted in ClinVar's aggregate classification.